The following is an entry in ClinVar:

NM_021098.3(CACNA1H):c.6074A>C (p.Glu2025Ala)

Gene: CACNA1H (calcium voltage-gated channel subunit alpha1 H; plus strand). Cytogenetic location: 16p13.3.
Variant type: single nucleotide variant.
Coding change: c.6074A>C on transcript NM_021098.3 (MANE Select); coding-DNA position 6074, A replaced by C.
Protein change: p.Glu2025Ala; replaces glutamic acid 2025 with alanine.
Molecular consequence: missense variant.
Genome position (GRCh38, 1-based): chr16:1,220,006, A>C. VCF-style: chr16-1220006-A-C. GRCh37 (hg19) VCF-style: chr16-1270006-A-C.
Other names: c.6056A>C, p.Glu2019Ala (NM_001005407.2); short protein forms E2019A, E2025A.
Identifiers: ClinVar variation 3750383 (VCV003750383.2).

ClinVar aggregate classification (germline): Uncertain significance (1 of 4 stars; one submission).

Conditions:
Idiopathic generalized epilepsy. Also called: EIG; Generalised epilepsy. Identifiers: MedGen C0270850, MONDO:0005579, OMIM 600669.
Hyperaldosteronism, familial, type IV (HALD4). Also called: FH IV; ALDOSTERONISM, PRIMARY, AND HYPERTENSION. Identifiers: Orphanet 642671, MedGen C4310756, MONDO:0014875, OMIM 617027.

Submission:

Labcorp Genetics (formerly Invitae), Labcorp
Classification: Uncertain significance for Idiopathic generalized epilepsy; Hyperaldosteronism, familial, type IV. Last evaluated: 2024-04-27. Review status: criteria provided, single submitter. Criteria: Invitae Variant Classification Sherloc (09022015). Collection method: clinical testing. Allele origin: germline.
Comment: This sequence change replaces glutamic acid, which is acidic and polar, with alanine, which is neutral and non-polar, at codon 2025 of the CACNA1H protein (p.Glu2025Ala). This variant is not present in population databases (gnomAD no frequency). This variant has not been reported in the literature in individuals affected with CACNA1H-related conditions. Advanced modeling of protein sequence and biophysical properties (such as structural, functional, and spatial information, amino acid conservation, physicochemical variation, residue mobility, and thermodynamic stability) performed at Invitae indicates that this missense variant is not expected to disrupt CACNA1H protein function with a negative predictive value of 80%. In summary, the available evidence is currently insufficient to determine the role of this variant in disease. Therefore, it has been classified as a Variant of Uncertain Significance.